The following is an entry in ClinVar:

NM_000179.3(MSH6):c.1021T>G (p.Ser341Ala)

Gene: MSH6 (mutS homolog 6; plus strand). Cytogenetic location: 2p16.3.
Variant type: single nucleotide variant.
Coding change: c.1021T>G on transcript NM_000179.3 (MANE Select); coding-DNA position 1021, T replaced by G.
Protein change: p.Ser341Ala; replaces serine 341 with alanine.
Molecular consequence: missense variant.
Genome position (GRCh38, 1-based): chr2:47,799,004, T>G. VCF-style: chr2-47799004-T-G. GRCh37 (hg19) VCF-style: chr2-48026143-T-G.
Other names: c.631T>G, p.Ser211Ala (NM_001281492.2); c.115T>G, p.Ser39Ala (NM_001281493.2, NM_001281494.2); short protein forms S341A, S211A, S39A.
Identifiers: ClinVar variation 619534 (VCV000619534.3), dbSNP rs1558660119, ClinGen allele CA346741339.

ClinVar aggregate classification (germline): Likely benign (1 of 4 stars; one submission).

Conditions:
Lynch syndrome. Identifiers: Orphanet 144, MedGen C4552100, MONDO:0005835. Disease mechanism: loss of function.

Submission:

University of Washington Department of Laboratory Medicine, University of Washington
Classification: Likely benign for Lynch syndrome. Last evaluated: 2018-05-01. Review status: criteria provided, single submitter. Criteria: Shirts BH et al. (Am J Hum Genet 2018). Collection method: clinical testing. Allele origin: somatic. Affected: yes.
Comment: MSH6 NM_000179.2:c.1021T>G has a 1.8% probability of pathogenicity based on combining prior probability from public data with a likelihood ratio of 0.16 to 1, generated from evidence of seeing this as a somatic mutation in a tumor with loss of heterozygosity at the MSH6 locus. See Shirts et al 2018, PMID 29887214.